The following is an entry in ClinVar:

ClinVar aggregate classification (germline): Uncertain significance. Review status: criteria provided, multiple submitters, no conflicts (2 of 4 stars). 3 submissions from 3 submitters: Uncertain significance (3). Last evaluated 2025-11-29.

Conditions:
Age related macular degeneration 1 (ARMD1). Also called: MACULOPATHY, AGE-RELATED, 1. Identifiers: MedGen C1864205, MONDO:0011285, OMIM 603075.

Allele frequency attached by ClinVar (database versions not stated): gnomAD exomes 0.00002 and 0.00006; ExAC 0.00007; gnomAD 0.00016; TOPMed 0.00021; ESP Exome Variant Server 0.00023.
gnomAD v4.1: 48 of 1,613,930 alleles (0.003%); highest among the groups gnomAD compares: African/African-American, 0.056%; no homozygotes.

Submissions (3):

Labcorp Genetics (formerly Invitae), Labcorp
Classification: Uncertain significance. Last evaluated: 2025-11-29. Review status: criteria provided, single submitter. Criteria: Invitae Variant Classification Sherloc (09022015). Collection method: clinical testing. Allele origin: germline.
Comment: This sequence change replaces isoleucine, which is neutral and non-polar, with lysine, which is basic and polar, at codon 3744 of the HMCN1 protein (p.Ile3744Lys). This variant is present in population databases (rs149594098, gnomAD 0.05%). This variant has not been reported in the literature in individuals affected with HMCN1-related conditions. ClinVar contains an entry for this variant (Variation ID: 1395972). An algorithm developed to predict the effect of missense changes on protein structure and function (PolyPhen-2) suggests that this variant is likely to be disruptive. In summary, the available evidence is currently insufficient to determine the role of this variant in disease. Therefore, it has been classified as a Variant of Uncertain Significance.

Ambry Genetics
Classification: Uncertain significance. Last evaluated: 2024-12-11. Review status: criteria provided, single submitter. Criteria: Ambry Variant Classification Scheme 2023. Collection method: clinical testing. Allele origin: germline.

Genome-Nilou Lab
Classification: Uncertain significance for Age related macular degeneration 1. Last evaluated: 2023-04-11. Review status: criteria provided, single submitter. Criteria: ACMG Guidelines, 2015. Collection method: clinical testing. Allele origin: germline. Affected: no.

NM_031935.3(HMCN1):c.11231T>A (p.Ile3744Lys)

Gene: HMCN1 (hemicentin 1; plus strand). Cytogenetic location: 1q31.1.
Variant type: single nucleotide variant.
Coding change: c.11231T>A on transcript NM_031935.3 (MANE Select); coding-DNA position 11231, T replaced by A.
Protein change: p.Ile3744Lys; replaces isoleucine 3744 with lysine.
Molecular consequence: missense variant.
Genome position (GRCh38, 1-based): chr1:186,114,078, T>A. VCF-style: chr1-186114078-T-A. GRCh37 (hg19) VCF-style: chr1-186083210-T-A.
Other names: c.11231T>A (NM_031935.2); short protein forms I3744K.
Identifiers: ClinVar variation 1395972 (VCV001395972.8), dbSNP rs149594098, ClinGen allele CA1293970.